The following is an entry in ClinVar:

ClinVar aggregate classification (germline): Uncertain significance (1 of 4 stars; one submission).

Conditions:
Gastrointestinal stromal tumor. Also called: Gastrointestinal stroma tumor; Gastrointestinal stromal tumor, somatic. Identifiers: Orphanet 44890, MedGen C0238198, MeSH D046152, MONDO:0011719, OMIM 606764, HP:0100723.

Submission:

Labcorp Genetics (formerly Invitae), Labcorp
Classification: Uncertain significance for Gastrointestinal stromal tumor. Last evaluated: 2022-03-08. Review status: criteria provided, single submitter. Criteria: Invitae Variant Classification Sherloc (09022015). Collection method: clinical testing. Allele origin: germline.
Comment: This sequence change replaces alanine, which is neutral and non-polar, with threonine, which is neutral and polar, at codon 640 of the PDGFRA protein (p.Ala640Thr). This variant is not present in population databases (gnomAD no frequency). This variant has not been reported in the literature in individuals affected with PDGFRA-related conditions. Algorithms developed to predict the effect of missense changes on protein structure and function (SIFT, PolyPhen-2, Align-GVGD) all suggest that this variant is likely to be disruptive. In summary, the available evidence is currently insufficient to determine the role of this variant in disease. Therefore, it has been classified as a Variant of Uncertain Significance.

NM_006206.6(PDGFRA):c.1918G>A (p.Ala640Thr)

Gene: PDGFRA (platelet derived growth factor receptor alpha; plus strand). Cytogenetic location: 4q12.
Variant type: single nucleotide variant.
Coding change: c.1918G>A on transcript NM_006206.6 (MANE Select); coding-DNA position 1918, G replaced by A.
Protein change: p.Ala640Thr; replaces alanine 640 with threonine.
Molecular consequence: missense variant.
Genome position (GRCh38, 1-based): chr4:54,277,922, G>A. VCF-style: chr4-54277922-G-A. GRCh37 (hg19) VCF-style: chr4-55144089-G-A.
Other names: c.1918G>A, p.Ala640Thr (NM_001347827.2, NM_001347829.2); c.1993G>A, p.Ala665Thr (NM_001347828.2); c.1957G>A, p.Ala653Thr (NM_001347830.2); short protein forms A640T, A665T, A653T.
Identifiers: ClinVar variation 2107223 (VCV002107223.4), dbSNP rs1397203869, ClinGen allele CA356893620.